The following is an entry in ClinVar:

ClinVar aggregate classification (germline): Uncertain significance (1 of 4 stars; one submission).

Conditions:
Hereditary sensory and autonomic neuropathy type 7. Also called: Neuropathy, hereditary sensory and autonomic, type VII; HSAN VII. Identifiers: Orphanet 391397, MedGen C3809882, MONDO:0014244, OMIM 615548.
Familial episodic pain syndrome with predominantly lower limb involvement. Also called: Episodic pain syndrome, familial, 3. Identifiers: Orphanet 391384, Orphanet 391392, MedGen C3809899, MONDO:0014247, OMIM 615552.

Allele frequency attached by ClinVar (database versions not stated): gnomAD 0.00001; gnomAD exomes 0.00002 and 0.00003; ExAC 0.00004; ESP Exome Variant Server 0.00008; 1000 Genomes Project 30x 0.00016; 1000 Genomes Project 0.00020.
gnomAD v4.1: 27 of 1,614,064 alleles (0.0017%); highest among the groups gnomAD compares: East Asian, 0.018%; no homozygotes.

Submission:

Labcorp Genetics (formerly Invitae), Labcorp
Classification: Uncertain significance for Familial episodic pain syndrome with predominantly lower limb involvement; Hereditary sensory and autonomic neuropathy type 7. Last evaluated: 2025-04-23. Review status: criteria provided, single submitter. Criteria: Invitae Variant Classification Sherloc (09022015). Collection method: clinical testing. Allele origin: germline.
Comment: This sequence change replaces glycine, which is neutral and non-polar, with arginine, which is basic and polar, at codon 767 of the SCN11A protein (p.Gly767Arg). This variant is present in population databases (rs9816941, gnomAD 0.01%). This variant has not been reported in the literature in individuals affected with SCN11A-related conditions. ClinVar contains an entry for this variant (Variation ID: 474704). Invitae Evidence Modeling of protein sequence and biophysical properties (such as structural, functional, and spatial information, amino acid conservation, physicochemical variation, residue mobility, and thermodynamic stability) indicates that this missense variant is expected to disrupt SCN11A protein function with a positive predictive value of 80%. In summary, the available evidence is currently insufficient to determine the role of this variant in disease. Therefore, it has been classified as a Variant of Uncertain Significance.

NM_001349253.2(SCN11A):c.2299G>A (p.Gly767Arg)

Gene: SCN11A (sodium voltage-gated channel alpha subunit 11; minus strand). Cytogenetic location: 3p22.2.
Variant type: single nucleotide variant.
Coding change: c.2299G>A on transcript NM_001349253.2 (MANE Select); coding-DNA position 2299, G replaced by A.
Protein change: p.Gly767Arg; replaces glycine 767 with arginine.
Molecular consequence: missense variant.
Genome position (GRCh38, 1-based): chr3:38,896,949, C>T on the plus strand (G>A on the coding strand, the complement: SCN11A is on the minus strand). VCF-style: chr3-38896949-C-T. GRCh37 (hg19) VCF-style: chr3-38938440-C-T.
Other names: c.2299G>A, p.Gly767Arg (NM_014139.3); short protein forms G767R.
Identifiers: ClinVar variation 474704 (VCV000474704.8), dbSNP rs9816941, ClinGen allele CA2322090.